The following is an entry in ClinVar:

NM_020975.6(RET):c.-3G>C

Genes: RET (ret proto-oncogene; plus strand), LOC106736614 (RET 5' regulatory region; plus strand). Cytogenetic location: 10q11.21.
Variant type: single nucleotide variant.
Coding change: c.-3G>C on transcript NM_020975.6 (MANE Select); 3 bases upstream of the start codon, G replaced by C.
Molecular consequence: 5 prime UTR variant.
Genome position (GRCh38, 1-based): chr10:43,077,256, G>C. VCF-style: chr10-43077256-G-C. GRCh37 (hg19) VCF-style: chr10-43572704-G-C.
Other names: c.-3G>C (NM_001406743.1, NM_001406744.1, NM_001406759.1 and 36 more transcripts).
Identifiers: ClinVar variation 3432230 (VCV003432230.1).

ClinVar aggregate classification (germline): Uncertain significance (1 of 4 stars; one submission).

Conditions:
Hereditary cancer-predisposing syndrome. Also called: Neoplastic Syndromes, Hereditary; Tumor predisposition; Hereditary Cancer Syndrome; Hereditary neoplastic syndrome. Identifiers: Orphanet 140162, MedGen C0027672, MeSH D009386, MONDO:0015356.

Submission:

Ambry Genetics
Classification: Uncertain significance for Hereditary cancer-predisposing syndrome. Last evaluated: 2024-07-11. Review status: criteria provided, single submitter. Criteria: Ambry Variant Classification Scheme 2023. Collection method: clinical testing. Allele origin: germline.
Comment: The c.-3G>C variant is located in the 5' untranslated region (5&rsquo; UTR) of the RET gene. This variant results from a G to C substitution 3 bases upstream from the first translated codon. This nucleotide position is well conserved in available vertebrate species. Based on the available evidence, the clinical significance of this variant remains unclear.